The following is an entry in ClinVar:

NM_015166.4(MLC1):c.65G>A (p.Arg22Gln)

Gene: MLC1 (modulator of VRAC current 1; minus strand). Cytogenetic location: 22q13.33.
Variant type: single nucleotide variant.
Coding change: c.65G>A on transcript NM_015166.4 (MANE Select); coding-DNA position 65, G replaced by A.
Protein change: p.Arg22Gln; replaces arginine 22 with glutamine.
Molecular consequence: missense variant. On other transcripts: non-coding transcript variant (3), intron variant (1).
Genome position (GRCh38, 1-based): chr22:50,084,838, C>T on the plus strand (G>A on the coding strand, the complement: MLC1 is on the minus strand). VCF-style: chr22-50084838-C-T. GRCh37 (hg19) VCF-style: chr22-50523267-C-T.
Other names: c.65G>A, p.Arg22Gln (NM_001376472.1, NM_001376473.1, NM_001376474.1 and 10 more transcripts); c.-59+517G>A (NM_001376484.1); short protein forms R22Q.
Identifiers: ClinVar variation 225412 (VCV000225412.19), dbSNP rs184241759, ClinGen allele CA10303690.

ClinVar aggregate classification (germline): Uncertain significance. Review status: criteria provided, multiple submitters, no conflicts (2 of 4 stars). 9 submissions from 9 submitters: Uncertain significance (7). 2 of the submissions do not count toward it. Last evaluated 2025-08-29.

Conditions:
Megalencephalic leukoencephalopathy with subcortical cysts. Also called: VAN DER KNAAP DISEASE. Identifiers: Orphanet 2478, MedGen C1858854, MONDO:0011391.
Megalencephalic leukoencephalopathy with subcortical cysts 1 (MLC1). Also called: VACUOLATING MEGALENCEPHALIC LEUKOENCEPHALOPATHY WITH SUBCORTICAL CYSTS; LEUKOENCEPHALOPATHY WITH SWELLING AND CYSTS. Identifiers: Orphanet 2478, MedGen C5779875, MONDO:0024555, OMIM 604004.

Allele frequency attached by ClinVar (database versions not stated): gnomAD 0.00011 and 0.00021; gnomAD exomes 0.00016 and 0.00047; TOPMed 0.00028; ExAC 0.00056; 1000 Genomes Project 30x 0.00141; 1000 Genomes Project 0.00160.
gnomAD v4.1: 269 of 1,613,626 alleles (0.017%); highest among the groups gnomAD compares: East Asian, 0.27%; 1 homozygote.

Submissions (9):

Women's Health and Genetics/Laboratory Corporation of America, LabCorp
Classification: Uncertain significance. Last evaluated: 2025-08-29. Review status: criteria provided, single submitter. Criteria: LabCorp Variant Classification Summary - May 2015. Collection method: clinical testing. Allele origin: germline.
Comment: Variant summary: MLC1 c.65G>A (p.Arg22Gln) results in a conservative amino acid change in the encoded protein sequence. Algorithms developed to predict the effect of missense changes on protein structure and function are either unavailable or do not agree on the potential impact of this missense change. The variant allele was found at a frequency of 0.00047 in 250418 control chromosomes, predominantly at a frequency of 0.0044 within the East Asian subpopulation in the gnomAD database. The observed variant frequency within East Asian control individuals in the gnomAD database exceeds the estimated maximal expected allele frequency for disease-causing variants in MLC1. The variant, c.65G>A, has been observed compound heterozygous state in East Asian individuals affected with Megalencephalic Leukoencephalopathy With Subcortical Cysts 1 (Wang_2011, Cao_2016). However, one of these individuals had a benign variant in trans, while another carried a likely pathogenic variant in cis, which could potentially explain the phenotype. These data indicate that the variant may be associated with disease. At least one publication reports experimental evidence evaluating an impact on protein function, and demonstrated that the variant protein was mislocalized in the cell, with ~8% being trafficked to the cell surface, while the remainder being trapped in the endoplasmic reticulum (Xie_2012). The following publications have been ascertained in the context of this evaluation (PMID: 27322623, 25634434, 21160490, 22416245). ClinVar contains an entry for this variant (Variation ID: 225412). Based on the evidence outlined above, the variant was classified as uncertain significance.

Blueprint Genetics
Classification: Uncertain significance. Last evaluated: 2024-10-11. Review status: criteria provided, single submitter. Criteria: ACMG Guidelines, 2015. Collection method: clinical testing. Allele origin: germline.

Labcorp Genetics (formerly Invitae), Labcorp
Classification: Uncertain significance. Last evaluated: 2022-07-12. Review status: criteria provided, single submitter. Criteria: Invitae Variant Classification Sherloc (09022015). Collection method: clinical testing. Allele origin: germline.
Comment: This sequence change replaces arginine, which is basic and polar, with glutamine, which is neutral and polar, at codon 22 of the MLC1 protein (p.Arg22Gln). This variant is present in population databases (rs184241759, gnomAD 0.5%). This missense change has been observed in individual(s) with megalencephalic leukoencephalopathy with subcortical cysts (PMID: 21160490). It has also been observed to segregate with disease in related individuals. ClinVar contains an entry for this variant (Variation ID: 225412). Algorithms developed to predict the effect of missense changes on protein structure and function are either unavailable or do not agree on the potential impact of this missense change (SIFT: "Deleterious"; PolyPhen-2: "Benign"; Align-GVGD: "Class C0"). Experimental studies have shown that this missense change affects MLC1 function (PMID: 22416245). In summary, the available evidence is currently insufficient to determine the role of this variant in disease. Therefore, it has been classified as a Variant of Uncertain Significance.

GeneDx
Classification: Uncertain significance. Last evaluated: 2017-02-10. Review status: criteria provided, single submitter. Criteria: GeneDx Variant Classification (06012015). Collection method: clinical testing. Allele origin: germline. Affected: yes.
Comment: The R22Q variant in the MLC1 gene has been reported previously in a patient with megalencephalic leukoencephalopathy with subcortical cysts, however, this patient was not found to have a pathogenic variant on the other MLC1 allele (Wang et al., 2011). The R22Q variant is observed in 43/8556 (0.5%) alleles from individuals of East Asian background, in the ExAC dataset (Lek et al., 2016). The R22Q variant is a semi-conservative amino acid substitution, which may impact secondary protein structure as these residues differ in some properties. This substitution occurs at a position that is conserved in mammals. While transfection studies indicate that the R22Q variant affected intracellular protein localization, protein/mRNA expression levels for R22Q were comparable with wild type (Xie et al., 2012). Therefore, we interpret R22Q as a variant of uncertain significance.

Soonchunhyang University Bucheon Hospital, Soonchunhyang University Medical Center
Classification: Uncertain significance for Megalencephalic leukoencephalopathy with subcortical cysts 1. Last evaluated: 2016-03-18. Review status: criteria provided, single submitter. Criteria: ACMG Guidelines, 2015. Collection method: reference population. Allele origin: germline. Observed: 1 variant allele.

Baylor Genetics
Classification: Uncertain significance for Megalencephalic leukoencephalopathy with subcortical cysts 1. Review status: criteria provided, single submitter. Criteria: ACMG Guidelines, 2015. Collection method: clinical testing. Allele origin: unknown.

Juno Genomics, Hangzhou Juno Genomics, Inc
Classification: Uncertain significance for Megalencephalic leukoencephalopathy with subcortical cysts 1. Review status: criteria provided, single submitter. Criteria: ACMG Guidelines, 2015. Collection method: clinical testing. Allele origin: germline.
Comment: For recessive disorders, detected in trans with a pathogenic variant.;Patient's phenotype or family history is highly specific for a disease with a single genetic etiology.;Co-segregation with disease in multiple affected family members.;Well-established in vitro or in vivo functional studies supportive of a damaging effect on the gene or gene product.;Observed in a healthy adult individual for a recessive/dominant/X-linked disorder with full penetrance.

Natera, Inc.
Classification: Uncertain significance for Megalencephalic leukoencephalopathy with subcortical cysts. Last evaluated: 2020-01-06. Review status: no assertion criteria provided. Collection method: clinical testing. Allele origin: germline. Not counted in ClinVar's aggregate classification.

Counsyl
Classification: Uncertain significance for Megalencephalic leukoencephalopathy with subcortical cysts 1. Last evaluated: 2017-06-29. Review status: no assertion criteria provided. Collection method: clinical testing. Allele origin: unknown. Not counted in ClinVar's aggregate classification.

Literature cited by the submitters: PubMed 27322623 (cited by Women's Health and Genetics/Laboratory Corporation of America, LabCorp and Counsyl); PubMed 25634434 (cited by Women's Health and Genetics/Laboratory Corporation of America, LabCorp); PubMed 21160490 (cited by 4 submitters); PubMed 22416245 (cited by 4 submitters).